The following is an entry in ClinVar:

ClinVar aggregate classification (germline): Pathogenic. Review status: criteria provided, multiple submitters, no conflicts (2 of 4 stars). 3 submissions from 3 submitters: Pathogenic (3). Last evaluated 2023-05-18.

Conditions:
Cardiovascular phenotype. Identifiers: MedGen CN230736.
Hereditary cancer-predisposing syndrome. Also called: Neoplastic Syndromes, Hereditary; Tumor predisposition; Hereditary Cancer Syndrome; Hereditary neoplastic syndrome. Identifiers: Orphanet 140162, MedGen C0027672, MeSH D009386, MONDO:0015356.
Neurofibromatosis, type 1 (NF1). Also called: VON RECKLINGHAUSEN DISEASE; NEUROFIBROMATOSIS, TYPE I, SOMATIC; Neurofibromatosis, type I; Peripheral type neurofibromatosis. Identifiers: Orphanet 636, MedGen C0027831, MONDO:0018975, OMIM 162200. Disease mechanism: loss of function.

Submissions (3):

GeneDx
Classification: Pathogenic. Last evaluated: 2023-05-18. Review status: criteria provided, single submitter. Criteria: GeneDx Variant Classification Process June 2021. Collection method: clinical testing. Allele origin: germline. Affected: yes.
Comment: Not observed at significant frequency in large population cohorts (gnomAD); In silico analysis supports that this missense variant has a deleterious effect on protein structure/function; This variant is associated with the following publications: (PMID: 22807134, 25486365, 31595648)

Ambry Genetics
Classification: Pathogenic for Cardiovascular phenotype; Hereditary cancer-predisposing syndrome. Last evaluated: 2021-12-13. Review status: criteria provided, single submitter. Criteria: Ambry Variant Classification Scheme 2023. Collection method: clinical testing. Allele origin: germline.
Comment: The p.K1423T variant (also known as c.4268A>C), located in coding exon 31 of the NF1 gene, results from an A to C substitution at nucleotide position 4268. The lysine at codon 1423 is replaced by threonine, an amino acid with similar properties. This alteration has been identified in multiple individuals with a clinical diagnosis of neurofibromatosis type 1 (NF1) (Koczkowska M et al. Hum Mutat, 2020 01;41:299-315). Two other alterations at the same codon, p.K1423Q (c.4267A>C) and p.K1423E (c.4267A>G), have also been been identified in multiple individuals with a clinical diagnosis of NF1 (Li Y, et al. Cell 1992; 69(2):275-81; Wang Q, et al. Hum. Genet. 2003;112(2):117-23; Pros E, et al. Hum. Mutat. 2008;29(9):E173-93; Upadhyaya M, et al. Hum. Mutat. 2008; 29(8):E103-11; Thomas L, et al. Hum. Mutat. 2012;33(12):1687-96; Cassiman C et al. Clin. Genet., 2017 Apr;91:529-535; Cannon A et al. Orphanet J Rare Dis, 2018 Feb;13:31; Koczkowska M et al. Hum Mutat, 2020 01;41:299-315). This amino acid position is highly conserved in available vertebrate species. In addition, this alteration is predicted to be deleterious by in silico analysis. This variant is considered to be rare based on population cohorts in the Genome Aggregation Database (gnomAD). Based on the supporting evidence, this alteration is interpreted as a disease-causing mutation.

Suma Genomics
Classification: Pathogenic for Neurofibromatosis, type 1. Review status: criteria provided, single submitter. Criteria: ACMG Guidelines, 2015. Collection method: clinical testing. Allele origin: de novo. Inheritance: Autosomal dominant inheritance. Affected: yes.

NM_001042492.3(NF1):c.4331A>C (p.Lys1444Thr)

Gene: NF1 (neurofibromin 1; plus strand). Cytogenetic location: 17q11.2.
Variant type: single nucleotide variant.
Coding change: c.4331A>C on transcript NM_001042492.3 (MANE Select); coding-DNA position 4331, A replaced by C.
Protein change: p.Lys1444Thr; replaces lysine 1444 with threonine.
Molecular consequence: missense variant.
Genome position (GRCh38, 1-based): chr17:31,258,501, A>C. VCF-style: chr17-31258501-A-C. GRCh37 (hg19) VCF-style: chr17-29585519-A-C.
Other names: c.4268A>C, p.Lys1423Thr (NM_000267.4); short protein forms K1423T, K1444T.
Identifiers: ClinVar variation 1739214 (VCV001739214.7), dbSNP rs199474781, ClinGen allele CA398998177.
Genomic context (GRCh38, chr17:31,258,501, plus strand): 5'-CAGGGATTTTAGATAAAAAGCCACCACCTAGAATCGAAAGGGGCTTGAAGTTAATGTCAA[A>C]GGTGAATTATTTTGATAATCTAGCTATCTTAAATTCCCCTTCCAACTAAATTTTCAGCTT-3'
Protein context (NP_001035957.1, residues 1434-1454): RIERGLKLMS[Lys1444Thr]ILQSIANHVL